The following is an entry in ClinVar:

ClinVar aggregate classification (germline): Pathogenic (1 of 4 stars; one submission).

Conditions:
Peroxisome biogenesis disorder 11A (Zellweger). Also called: Peroxisome biogenesis disorder 11A. Identifiers: Orphanet 912, MedGen C3554000, MONDO:0013949, OMIM 614883.

Submission:

Labcorp Genetics (formerly Invitae), Labcorp
Classification: Pathogenic for Peroxisome biogenesis disorder 11A (Zellweger). Last evaluated: 2021-10-08. Review status: criteria provided, single submitter. Criteria: Invitae Variant Classification Sherloc (09022015). Collection method: clinical testing. Allele origin: germline.
Comment: This sequence change creates a premature translational stop signal (p.Ala277Glyfs*6) in the PEX13 gene. It is expected to result in an absent or disrupted protein product. Loss-of-function variants in PEX13 are known to be pathogenic (PMID: 10332040, 21031596). This variant is not present in population databases (ExAC no frequency). This variant has not been reported in the literature in individuals affected with PEX13-related conditions. For these reasons, this variant has been classified as Pathogenic.

Literature cited by the submitters: PubMed 10332040; PubMed 21031596.

NM_002618.4(PEX13):c.829dup (p.Ala277fs)

Gene: PEX13 (peroxisomal biogenesis factor 13; plus strand). Cytogenetic location: 2p15.
Variant type: Duplication.
Coding change: c.829dup on transcript NM_002618.4 (MANE Select); coding-DNA position 829, one base duplicated (G; older notation c.829dupG).
Protein change: p.Ala277fs; shifts the reading frame from alanine 277.
Molecular consequence: frameshift variant.
Genome position (GRCh38, 1-based): chr2:61,045,767, G duplicated. VCF-style (leftmost placement, unchanged base first): chr2-61045766-T-TG. GRCh37 (hg19) VCF-style: chr2-61272901-T-TG.
Other names: short protein forms A277fs.
Identifiers: ClinVar variation 1428939 (VCV001428939.6), dbSNP rs2104812709, ClinGen allele CA2573134971.